The following is an entry in ClinVar:

ClinVar aggregate classification (germline): Benign/Likely benign. Review status: criteria provided, multiple submitters, no conflicts (2 of 4 stars). 4 submissions from 4 submitters: Benign (1); Likely benign (3). Last evaluated 2025-12-03.

Conditions:
ROBO1-related disorder. Also called: ROBO1-related condition.

Allele frequency attached by ClinVar (database versions not stated): gnomAD 0.00001 and 0.00005; TOPMed 0.00002; gnomAD exomes 0.00015 and 0.00033; 1000 Genomes Project 30x 0.00016; 1000 Genomes Project 0.00020; ExAC 0.00041.
gnomAD v4.1: 217 of 1,612,168 alleles (0.013%); highest among the groups gnomAD compares: South Asian, 0.18%; 3 homozygotes.

Submissions (4):

Labcorp Genetics (formerly Invitae), Labcorp
Classification: Benign. Last evaluated: 2025-12-03. Review status: criteria provided, single submitter. Criteria: Invitae Variant Classification Sherloc (09022015). Collection method: clinical testing. Allele origin: germline.

CeGaT Center for Human Genetics Tuebingen
Classification: Likely benign. Last evaluated: 2025-12-01. Review status: criteria provided, single submitter. Criteria: CeGaT Center For Human Genetics Tuebingen Variant Classification Criteria Version 2. Collection method: clinical testing. Allele origin: germline. Affected: yes. Observed: 3 variant alleles.
Comment: ROBO1: BP4, BP7

PreventionGenetics, part of Exact Sciences
Classification: Likely benign for ROBO1-related condition. Last evaluated: 2025-02-20. Review status: criteria provided, single submitter. Criteria: ACMG Guidelines, 2015. Collection method: clinical testing. Allele origin: germline.
Comment: This variant is classified as likely benign based on ACMG/AMP sequence variant interpretation guidelines (Richards et al. 2015 PMID: 25741868, with internal and published modifications).

Blueprint Genetics
Classification: Likely benign. Last evaluated: 2024-05-13. Review status: criteria provided, single submitter. Criteria: ACMG Guidelines, 2015. Collection method: clinical testing. Allele origin: germline.

NM_002941.4(ROBO1):c.3411A>G (p.Pro1137=)

Gene: ROBO1 (roundabout guidance receptor 1; minus strand). Cytogenetic location: 3p12.3.
Variant type: single nucleotide variant.
Coding change: c.3411A>G on transcript NM_002941.4 (MANE Select); coding-DNA position 3411, A replaced by G.
Protein change: p.Pro1137=; no amino-acid change (proline 1137 retained).
Molecular consequence: synonymous variant.
Genome position (GRCh38, 1-based): chr3:78,634,005, T>C on the plus strand (A>G on the coding strand, the complement: ROBO1 is on the minus strand). VCF-style: chr3-78634005-T-C. GRCh37 (hg19) VCF-style: chr3-78683155-T-C.
Other names: c.3411A>G (NM_002941.3); c.3111A>G, p.Pro1037= (NM_001145845.2); c.3276A>G, p.Pro1092= (NM_133631.4).
Identifiers: ClinVar variation 1661394 (VCV001661394.34), dbSNP rs568106352, ClinGen allele CA2498364.